The following is an entry in ClinVar:

ClinVar aggregate classification (germline): Uncertain significance (1 of 4 stars; one submission).

Conditions:
Inborn genetic diseases. Identifiers: MedGen C0950123, MeSH D030342.

Submission:

Ambry Genetics
Classification: Uncertain significance for Inborn genetic diseases. Last evaluated: 2025-01-15. Review status: criteria provided, single submitter. Criteria: Ambry Variant Classification Scheme 2023. Collection method: clinical testing. Allele origin: germline.
Comment: The p.P725L variant (also known as c.2174C>T), located in coding exon 19 of the KDM1A gene, results from a C to T substitution at nucleotide position 2174. The proline at codon 725 is replaced by leucine, an amino acid with similar properties. This amino acid position is conserved. In addition, this alteration is predicted to be deleterious by in silico analysis. Based on the available evidence, the clinical significance of this variant remains unclear.

NM_001009999.3(KDM1A):c.2174C>T (p.Pro725Leu)

Gene: KDM1A (lysine demethylase 1A; plus strand). Cytogenetic location: 1p36.12.
Variant type: single nucleotide variant.
Coding change: c.2174C>T on transcript NM_001009999.3 (MANE Select); coding-DNA position 2174, C replaced by T.
Protein change: p.Pro725Leu; replaces proline 725 with leucine.
Molecular consequence: missense variant.
Genome position (GRCh38, 1-based): chr1:23,081,449, C>T. VCF-style: chr1-23081449-C-T. GRCh37 (hg19) VCF-style: chr1-23407942-C-T.
Other names: c.2120C>T, p.Pro707Leu (NM_001363654.2); c.2180C>T, p.Pro727Leu (NM_001410762.1); c.2102C>T, p.Pro701Leu (NM_001410763.1, NM_015013.4); short protein forms P701L, P707L, P727L, P725L.
Identifiers: ClinVar variation 3863269 (VCV003863269.1).